The following is an entry in ClinVar:

ClinVar aggregate classification (germline): Benign. Review status: criteria provided, single submitter (1 of 4 stars). 2 submissions from 2 submitters: Benign (1). 1 of the submissions does not count toward it. Last evaluated 2025-07-21.

Conditions:
MACF1-related disorder. Also called: MACF1-related condition.

Allele frequency attached by ClinVar (database versions not stated): gnomAD exomes 0.00002; ExAC 0.00012; gnomAD 0.00029; 1000 Genomes Project 30x 0.00031; TOPMed 0.00032; ESP Exome Variant Server 0.00038; 1000 Genomes Project 0.00040.
gnomAD v4.1: 97 of 1,613,788 alleles (0.006%); highest among the groups gnomAD compares: African/African-American, 0.099%; 1 homozygote.

Submissions (2):

Labcorp Genetics (formerly Invitae), Labcorp
Classification: Benign. Last evaluated: 2025-07-21. Review status: criteria provided, single submitter. Criteria: Invitae Variant Classification Sherloc (09022015). Collection method: clinical testing. Allele origin: germline.

PreventionGenetics, part of Exact Sciences
Classification: Likely benign for MACF1-related condition. Last evaluated: 2019-05-24. Review status: no assertion criteria provided. Collection method: clinical testing. Allele origin: germline. Not counted in ClinVar's aggregate classification.
Comment: This variant is classified as likely benign based on ACMG/AMP sequence variant interpretation guidelines (Richards et al. 2015 PMID: 25741868, with internal and published modifications).

NM_001394062.1(MACF1):c.19344A>G (p.Glu6448=)

Gene: MACF1 (microtubule actin crosslinking factor 1; plus strand). Cytogenetic location: 1p34.3.
Variant type: single nucleotide variant.
Coding change: c.19344A>G on transcript NM_001394062.1 (MANE Select); coding-DNA position 19344, A replaced by G.
Protein change: p.Glu6448=; no amino-acid change (glutamic acid 6448 retained).
Molecular consequence: synonymous variant.
Genome position (GRCh38, 1-based): chr1:39,443,487, A>G. VCF-style: chr1-39443487-A-G. GRCh37 (hg19) VCF-style: chr1-39909159-A-G.
Other names: c.7422A>G, p.Glu2474= (NM_001397473.1); c.13167A>G, p.Glu4389= (NM_012090.5).
Identifiers: ClinVar variation 2064194 (VCV002064194.6), dbSNP rs148529836, ClinGen allele CA784102.